The following is an entry in ClinVar:

ClinVar aggregate classification (germline): Uncertain significance (1 of 4 stars; one submission).

Conditions:
Inborn genetic diseases. Identifiers: MedGen C0950123, MeSH D030342.

Submission:

Ambry Genetics
Classification: Uncertain significance for Inborn genetic diseases. Last evaluated: 2025-08-21. Review status: criteria provided, single submitter. Criteria: Ambry Variant Classification Scheme 2023. Collection method: clinical testing. Allele origin: germline.
Comment: The p.Y109S variant (also known as c.326A>C), located in coding exon 3 of the ELANE gene, results from an A to C substitution at nucleotide position 326. The tyrosine at codon 109 is replaced by serine, an amino acid with dissimilar properties. This amino acid position is conserved. In addition, the in silico prediction for this alteration is inconclusive. Based on the available evidence, the clinical significance of this variant remains unclear.

NM_001972.4(ELANE):c.326A>C (p.Tyr109Ser)

Gene: ELANE (elastase, neutrophil expressed; plus strand). Cytogenetic location: 19p13.3.
Variant type: single nucleotide variant.
Coding change: c.326A>C on transcript NM_001972.4 (MANE Select); coding-DNA position 326, A replaced by C.
Protein change: p.Tyr109Ser; replaces tyrosine 109 with serine.
Molecular consequence: missense variant.
Genome position (GRCh38, 1-based): chr19:853,363, A>C. VCF-style: chr19-853363-A-C. GRCh37 (hg19) VCF-style: chr19-853363-A-C.
Other names: short protein forms Y109S.
Identifiers: ClinVar variation 4248087 (VCV004248087.1).